The following is an entry in ClinVar:

NM_001243133.2(NLRP3):c.715T>A (p.Leu239Met)

Gene: NLRP3 (NLR family pyrin domain containing 3; plus strand). Cytogenetic location: 1q44.
Variant type: single nucleotide variant.
Coding change: c.715T>A on transcript NM_001243133.2 (MANE Select); coding-DNA position 715, T replaced by A.
Protein change: p.Leu239Met; replaces leucine 239 with methionine.
Molecular consequence: missense variant.
Genome position (GRCh38, 1-based): chr1:247,424,164, T>A. VCF-style: chr1-247424164-T-A. GRCh37 (hg19) VCF-style: chr1-247587466-T-A.
Other names: c.715T>A, p.Leu239Met (NM_001079821.3, NM_001127461.3, NM_001127462.3 and 1 more transcripts); c.721T>A, p.Leu241Met (NM_004895.5); short protein forms L241M, L239M.
Identifiers: ClinVar variation 571741 (VCV000571741.11), dbSNP rs1395728949, ClinGen allele CA345555267.

ClinVar aggregate classification (germline): Uncertain significance. Review status: criteria provided, multiple submitters, no conflicts (2 of 4 stars). 2 submissions from 2 submitters: Uncertain significance (2). Last evaluated 2025-05-26.

Conditions:
Cryopyrin associated periodic syndrome (CAPS). Identifiers: Orphanet 208650, MedGen C2316212, MONDO:0016168.

Allele frequency attached by ClinVar (database versions not stated): gnomAD exomes below 0.00001.
gnomAD v4.1: 1 of 1,614,066 alleles (0.000062%); highest among the groups gnomAD compares: South Asian, 0.0011%; no homozygotes.

Submissions (2):

Labcorp Genetics (formerly Invitae), Labcorp
Classification: Uncertain significance for Cryopyrin associated periodic syndrome. Last evaluated: 2025-05-26. Review status: criteria provided, single submitter. Criteria: Invitae Variant Classification Sherloc (09022015). Collection method: clinical testing. Allele origin: germline.
Comment: This sequence change replaces leucine, which is neutral and non-polar, with methionine, which is neutral and non-polar, at codon 241 of the NLRP3 protein (p.Leu241Met). This variant is present in population databases (no rsID available, gnomAD 0.003%). This variant has not been reported in the literature in individuals affected with NLRP3-related conditions. ClinVar contains an entry for this variant (Variation ID: 571741). Invitae Evidence Modeling of protein sequence and biophysical properties (such as structural, functional, and spatial information, amino acid conservation, physicochemical variation, residue mobility, and thermodynamic stability) has been performed for this missense variant. However, the output from this modeling did not meet the statistical confidence thresholds required to predict the impact of this variant on NLRP3 protein function. In summary, the available evidence is currently insufficient to determine the role of this variant in disease. Therefore, it has been classified as a Variant of Uncertain Significance.

GeneDx
Classification: Uncertain significance. Last evaluated: 2021-01-15. Review status: criteria provided, single submitter. Criteria: GeneDx Variant Classification Process June 2021. Collection method: clinical testing. Allele origin: germline. Affected: yes.
Comment: Not observed at a significant frequency in large population cohorts (Lek et al., 2016); In silico analysis supports that this missense variant does not alter protein structure/function; Has not been previously published as pathogenic or benign to our knowledge